The following is an entry in ClinVar:

ClinVar aggregate classification (germline): Uncertain significance. Review status: criteria provided, multiple submitters, no conflicts (2 of 4 stars). 2 submissions from 2 submitters: Uncertain significance (2). Last evaluated 2025-09-25.

Allele frequency attached by ClinVar (database versions not stated): ESP Exome Variant Server 0.00008.
gnomAD v4.1: 105 of 1,603,468 alleles (0.0065%); highest among the groups gnomAD compares: East Asian, 0.016%; no homozygotes.

Submissions (3):

Ambry Genetics
Classification: Uncertain significance. Last evaluated: 2025-09-25. Review status: criteria provided, single submitter. Criteria: Ambry Variant Classification Scheme 2023. Collection method: clinical testing. Allele origin: germline.

Labcorp Genetics (formerly Invitae), Labcorp
Classification: Uncertain significance. Last evaluated: 2025-03-26. Review status: criteria provided, single submitter. Criteria: Invitae Variant Classification Sherloc (09022015). Collection method: clinical testing. Allele origin: germline.
Comment: This sequence change replaces arginine, which is basic and polar, with glutamine, which is neutral and polar, at codon 271 of the PCK2 protein (p.Arg271Gln). This variant is present in population databases (rs145832168, gnomAD 0.02%). This variant has not been reported in the literature in individuals affected with PCK2-related conditions. ClinVar contains an entry for this variant (Variation ID: 2725140). Invitae Evidence Modeling of protein sequence and biophysical properties (such as structural, functional, and spatial information, amino acid conservation, physicochemical variation, residue mobility, and thermodynamic stability) indicates that this missense variant is not expected to disrupt PCK2 protein function with a negative predictive value of 80%. In summary, the available evidence is currently insufficient to determine the role of this variant in disease. Therefore, it has been classified as a Variant of Uncertain Significance.

Dr. Peter K. Rogan Lab, Western University
No classification provided (evidence only). Condition: Ovarian serous cystadenocarcinoma. Review status: no classification provided. Collection method: in vitro. Allele origin: not applicable. Functional consequence: retained intron. Not counted in ClinVar's aggregate classification.

NM_004563.4(PCK2):c.812G>A (p.Arg271Gln)

Genes: NRL (neural retina leucine zipper; minus strand), PCK2 (phosphoenolpyruvate carboxykinase 2, mitochondrial; plus strand). Cytogenetic location: 14q11.2.
Variant type: single nucleotide variant.
Coding change: c.812G>A on transcript NM_004563.4 (MANE Select); coding-DNA position 812, G replaced by A.
Protein change: p.Arg271Gln; replaces arginine 271 with glutamine.
Molecular consequence: missense variant. On other transcripts: intron variant (3).
Genome position (GRCh38, 1-based): chr14:24,099,196, G>A. VCF-style: chr14-24099196-G-A. GRCh37 (hg19) VCF-style: chr14-24568405-G-A.
Other names: c.812G>A, p.Arg271Gln (NM_001018073.3); c.410G>A, p.Arg137Gln (NM_001291556.2, NM_001308054.2); c.-28+15526C>T (NM_001354768.3, NM_001354770.2); c.-253-14451C>T (NM_006177.5); c.812G>A (NM_004563.2); short protein forms R137Q, R271Q.
Identifiers: ClinVar variation 2725140 (VCV002725140.5), dbSNP rs145832168, ClinGen allele CA7123238.